The following is an entry in ClinVar:

NM_012141.3(INTS6):c.1828C>T (p.Arg610Ter)

Gene: INTS6 (integrator complex subunit 6; minus strand). Cytogenetic location: 13q14.3.
Variant type: single nucleotide variant.
Coding change: c.1828C>T on transcript NM_012141.3 (MANE Select); coding-DNA position 1828, C replaced by T.
Protein change: p.Arg610Ter; replaces arginine 610 with a stop codon.
Molecular consequence: nonsense.
Genome position (GRCh38, 1-based): chr13:51,374,698, G>A on the plus strand (C>T on the coding strand, the complement: INTS6 is on the minus strand). VCF-style: chr13-51374698-G-A. GRCh37 (hg19) VCF-style: chr13-51948834-G-A.
Other names: c.1789C>T, p.Arg597Ter (NM_001039937.2); c.1294C>T, p.Arg432Ter (NM_001306091.2); short protein forms R610X, R432*, R597*.
Identifiers: ClinVar variation 4856424 (VCV004856424.2).

ClinVar aggregate classification (germline): Pathogenic. Review status: criteria provided, single submitter (1 of 4 stars). 2 submissions from 2 submitters: Pathogenic (1). 1 of the submissions does not count toward it. Last evaluated 2026-01-31.

Conditions:
INTELLECTUAL DEVELOPMENTAL DISORDER, AUTOSOMAL DOMINANT 78 (MRD78). Identifiers: MedGen CN382122, OMIM 621627.

Submissions (2):

GeneDx
Classification: Pathogenic. Last evaluated: 2026-01-31. Review status: criteria provided, single submitter. Criteria: GeneDx Variant Classification Process June 2021. Collection method: clinical testing. Allele origin: germline.
Comment: Nonsense variant predicted to result in protein truncation or nonsense mediated decay in a gene for which loss of function is a known mechanism of disease; Not observed at significant frequency in large population cohorts (gnomAD); De novo variant with confirmed parentage in a patient in published literature from a cohort of individuals with autism; however, detailed clinical information was not provided (PMID: 25363768); This variant is associated with the following publications: (PMID: 31133750, 35982159, 25363768, 28191890, 31785789, 28867142, 28714951)

OMIM
Classification: Pathogenic for INTELLECTUAL DEVELOPMENTAL DISORDER, AUTOSOMAL DOMINANT 78. Last evaluated: 2026-06-18. Review status: no assertion criteria provided. Collection method: literature only. Allele origin: germline. Not counted in ClinVar's aggregate classification.

Literature cited by the submitters: PubMed 40966122 (cited by OMIM).